The following is an entry in ClinVar:

ClinVar aggregate classification (germline): Conflicting classifications of pathogenicity. Review status: criteria provided, conflicting classifications (1 of 4 stars). 2 submissions from 2 submitters: Uncertain significance (1); Likely benign (1). Last evaluated 2024-10-31.

Conditions:
Atrioventricular septal defect 5 (AVSD5). Identifiers: MedGen C3280939, MONDO:0013769, OMIM 614474.

Submissions (2):

Labcorp Genetics (formerly Invitae), Labcorp
Classification: Uncertain significance for Atrioventricular septal defect 5. Last evaluated: 2024-10-31. Review status: criteria provided, single submitter. Criteria: Invitae Variant Classification Sherloc (09022015). Collection method: clinical testing. Allele origin: germline.
Comment: This variant, c.993_998del, results in the deletion of 2 amino acid(s) of the GATA6 protein (p.His332_His333del), but otherwise preserves the integrity of the reading frame. The frequency data for this variant in the population databases is considered unreliable, as metrics indicate poor data quality at this position in the gnomAD database. This variant has not been reported in the literature in individuals affected with GATA6-related conditions. Experimental studies and prediction algorithms are not available or were not evaluated, and the functional significance of this variant is currently unknown. In summary, the available evidence is currently insufficient to determine the role of this variant in disease. Therefore, it has been classified as a Variant of Uncertain Significance.

Blueprint Genetics
Classification: Likely benign. Last evaluated: 2024-09-03. Review status: criteria provided, single submitter. Criteria: ACMG Guidelines, 2015. Collection method: clinical testing. Allele origin: germline.

NM_005257.6(GATA6):c.969CCA[8] (p.His332_His333del)

Gene: GATA6 (GATA binding protein 6; plus strand). Cytogenetic location: 18q11.2.
Variant type: Microsatellite.
Coding change: c.969CCA[8] on transcript NM_005257.6 (MANE Select); eight copies in a row of the 3-base unit CCA starting at c.969; the reference has ten copies in a row; two copies, 6 bases deleted.
Protein change: p.His332_His333del.
Molecular consequence: inframe deletion.
Genome position (GRCh38, 1-based): chr18:22,172,137-22,172,142, CCACCA deleted; deleting any 6 consecutive bases within chr18:22,172,112-22,172,142 gives the same sequence; the position shown is the placement nearest the transcript's 3' end. VCF-style (leftmost placement, unchanged base first): chr18-22172111-TACCACC-T. GRCh37 (hg19) VCF-style: chr18-19752072-TACCACC-T.
Other names: c.993_998delCCACCA (NM_005257.5).
Identifiers: ClinVar variation 240131 (VCV000240131.7), dbSNP rs562588574, ClinGen allele CA10583695.